The following is an entry in ClinVar:

NM_182476.3(COQ6):c.133C>T (p.Leu45=)

Gene: COQ6 (coenzyme Q6, monooxygenase; plus strand). Cytogenetic location: 14q24.3.
Variant type: single nucleotide variant.
Coding change: c.133C>T on transcript NM_182476.3 (MANE Select); coding-DNA position 133, C replaced by T.
Protein change: p.Leu45=; no amino-acid change (leucine 45 retained).
Molecular consequence: synonymous variant. On other transcripts: intron variant (1).
Genome position (GRCh38, 1-based): chr14:73,950,465, C>T. VCF-style: chr14-73950465-C-T. GRCh37 (hg19) VCF-style: chr14-74417168-C-T.
Other names: c.88+285C>T (NM_182480.3).
Identifiers: ClinVar variation 681456 (VCV000681456.1), dbSNP rs1594782675, ClinGen allele CA487152206.

ClinVar aggregate classification (germline): Likely benign (1 of 4 stars; one submission).

Allele frequency attached by ClinVar (database versions not stated): gnomAD exomes below 0.00001.
gnomAD v4.1: 1 of 1,609,468 alleles (0.000062%); highest among the groups gnomAD compares: Non-Finnish European, 0.000085%; no homozygotes.

Submission:

GeneDx
Classification: Likely benign. Last evaluated: 2018-04-17. Review status: criteria provided, single submitter. Criteria: GeneDx Variant Classification (06012015). Collection method: clinical testing. Allele origin: germline. Affected: yes.
Comment: This variant is considered likely benign or benign based on one or more of the following criteria: it is a conservative change, it occurs at a poorly conserved position in the protein, it is predicted to be benign by multiple in silico algorithms, and/or has population frequency not consistent with disease.